The following is an entry in ClinVar:

ClinVar aggregate classification (germline): Uncertain significance (1 of 4 stars; one submission).

Conditions:
Hawkinsinuria. Identifiers: Orphanet 2118, MedGen C2931042, MONDO:0007700, OMIM 140350, HP:0034457.
Tyrosinemia type III. Also called: Tyrosinemia type 3; 4-alpha hydroxyphenylpyruvic acid oxidase deficiency; 4-alpha hydroxyphenylpyruvate dioxygenase deficiency; 4-Hydroxyphenylpyruvate dioxygenase deficiency; 4-HYDROXYPHENYLPYRUVIC ACID OXIDASE DEFICIENCY. Identifiers: Orphanet 69723, MedGen C0268623, MONDO:0010162, OMIM 276710.

Allele frequency attached by ClinVar (database versions not stated): TOPMed below 0.00001; gnomAD 0.00001.
gnomAD v4.1: 2 of 1,613,584 alleles (0.00012%); highest among the groups gnomAD compares: Non-Finnish European, 0.00017%; no homozygotes.

Submission:

Labcorp Genetics (formerly Invitae), Labcorp
Classification: Uncertain significance for Tyrosinemia type III; Hawkinsinuria. Last evaluated: 2022-09-12. Review status: criteria provided, single submitter. Criteria: Invitae Variant Classification Sherloc (09022015). Collection method: clinical testing. Allele origin: germline.
Comment: In summary, the available evidence is currently insufficient to determine the role of this variant in disease. Therefore, it has been classified as a Variant of Uncertain Significance. Advanced modeling of protein sequence and biophysical properties (such as structural, functional, and spatial information, amino acid conservation, physicochemical variation, residue mobility, and thermodynamic stability) performed at Invitae indicates that this missense variant is not expected to disrupt HPD protein function. ClinVar contains an entry for this variant (Variation ID: 1523625). This variant has not been reported in the literature in individuals affected with HPD-related conditions. This variant is not present in population databases (gnomAD no frequency). This sequence change replaces valine, which is neutral and non-polar, with leucine, which is neutral and non-polar, at codon 194 of the HPD protein (p.Val194Leu).

NM_002150.3(HPD):c.580G>T (p.Val194Leu)

Genes: HPD (4-hydroxyphenylpyruvate dioxygenase; minus strand), TIALD (transcript inducer of AURKA lysosomal degradation; plus strand). Cytogenetic location: 12q24.31.
Variant type: single nucleotide variant.
Coding change: c.580G>T on transcript NM_002150.3 (MANE Select); coding-DNA position 580, G replaced by T.
Protein change: p.Val194Leu; replaces valine 194 with leucine.
Molecular consequence: missense variant.
Genome position (GRCh38, 1-based): chr12:121,849,015, C>A on the plus strand (G>T on the coding strand, the complement: HPD is on the minus strand). VCF-style: chr12-121849015-C-A. GRCh37 (hg19) VCF-style: chr12-122286921-C-A.
Other names: c.463G>T, p.Val155Leu (NM_001171993.2); short protein forms V155L, V194L.
Identifiers: ClinVar variation 1523625 (VCV001523625.6), dbSNP rs570445297, ClinGen allele CA387015997.